The following is an entry in ClinVar:

ClinVar aggregate classification (germline): Uncertain significance. Review status: criteria provided, multiple submitters, no conflicts (2 of 4 stars). 2 submissions from 2 submitters: Uncertain significance (2). Last evaluated 2025-08-25.

Conditions:
Hereditary cancer-predisposing syndrome. Also called: Tumor predisposition; Hereditary Cancer Syndrome; Hereditary neoplastic syndrome; Neoplastic Syndromes, Hereditary. Identifiers: Orphanet 140162, MedGen C0027672, MeSH D009386, MONDO:0015356.
POLD1-related polyposis and colorectal cancer syndrome (CRCS10). Also called: Colorectal cancer 10; COLORECTAL CANCER, SUSCEPTIBILITY TO, ON CHROMOSOME 19q; Colorectal cancer, susceptibility to, 10. Identifiers: Orphanet 220460, MedGen C2675481, MONDO:0012953, OMIM 612591.

Submissions (2):

Labcorp Genetics (formerly Invitae), Labcorp
Classification: Uncertain significance for POLD1-related polyposis and colorectal cancer syndrome. Last evaluated: 2025-08-25. Review status: criteria provided, single submitter. Criteria: Invitae Variant Classification Sherloc (09022015). Collection method: clinical testing. Allele origin: germline.
Comment: This sequence change replaces glutamine, which is neutral and polar, with glutamic acid, which is acidic and polar, at codon 399 of the POLD1 protein (p.Gln399Glu). This variant is not present in population databases (gnomAD no frequency). This variant has not been reported in the literature in individuals affected with POLD1-related conditions. ClinVar contains an entry for this variant (Variation ID: 484417). Invitae Evidence Modeling of protein sequence and biophysical properties (such as structural, functional, and spatial information, amino acid conservation, physicochemical variation, residue mobility, and thermodynamic stability) indicates that this missense variant is not expected to disrupt POLD1 protein function with a negative predictive value of 80%. In summary, the available evidence is currently insufficient to determine the role of this variant in disease. Therefore, it has been classified as a Variant of Uncertain Significance.

Ambry Genetics
Classification: Uncertain significance for Hereditary cancer-predisposing syndrome. Last evaluated: 2019-08-23. Review status: criteria provided, single submitter. Criteria: Ambry Variant Classification Scheme 2023. Collection method: clinical testing. Allele origin: germline.
Comment: The p.Q399E variant (also known as c.1195C>G), located in coding exon 9 of the POLD1 gene, results from a C to G substitution at nucleotide position 1195. The glutamine at codon 399 is replaced by glutamic acid, an amino acid with highly similar properties. This amino acid position is highly conserved in available vertebrate species. In addition, this alteration is predicted to be tolerated by in silico analysis. Since supporting evidence is limited at this time, the clinical significance of this alteration remains unclear.

NM_002691.4(POLD1):c.1195C>G (p.Gln399Glu)

Gene: POLD1 (DNA polymerase delta 1, catalytic subunit; plus strand). Cytogenetic location: 19q13.33.
Variant type: single nucleotide variant.
Coding change: c.1195C>G on transcript NM_002691.4 (MANE Select); coding-DNA position 1195, C replaced by G.
Protein change: p.Gln399Glu; replaces glutamine 399 with glutamic acid.
Molecular consequence: missense variant. On other transcripts: non-coding transcript variant (1).
Genome position (GRCh38, 1-based): chr19:50,403,550, C>G. VCF-style: chr19-50403550-C-G. GRCh37 (hg19) VCF-style: chr19-50906807-C-G.
Other names: c.1195C>G, p.Gln399Glu (NM_001256849.1, NM_001308632.1); short protein forms Q399E.
Identifiers: ClinVar variation 484417 (VCV000484417.6), dbSNP rs1555790575, ClinGen allele CA406978548.